The following is an entry in ClinVar:

ClinVar aggregate classification (germline): Uncertain significance (1 of 4 stars; one submission).

Submission:

Dasa
Classification: Uncertain significance. Last evaluated: 2025-06-26. Review status: criteria provided, single submitter. Criteria: DASA Assertion Criteria. Collection method: clinical testing. Allele origin: germline.
Comment: NM_005633.4(SOS1):c.1282A>C (p.Asn428His) is a missense variant that results in the substitution of asparagine with histidine. This variant is absent from population databases. The currently available literature and clinical evidence are not sufficient to establish a definitive association between this variant and the reported condition. Therefore, this variant is classified as a variant of uncertain significance.

NM_005633.4(SOS1):c.1282A>C (p.Asn428His)

Gene: SOS1 (SOS Ras/Rac guanine nucleotide exchange factor 1; minus strand). Cytogenetic location: 2p22.1.
Variant type: single nucleotide variant.
Coding change: c.1282A>C on transcript NM_005633.4 (MANE Select); coding-DNA position 1282, A replaced by C.
Protein change: p.Asn428His; replaces asparagine 428 with histidine.
Molecular consequence: missense variant.
Genome position (GRCh38, 1-based): chr2:39,023,146, T>G on the plus strand (A>C on the coding strand, the complement: SOS1 is on the minus strand). VCF-style: chr2-39023146-T-G. GRCh37 (hg19) VCF-style: chr2-39250287-T-G.
Other names: c.1261A>C, p.Asn421His (NM_001382394.1); c.1282A>C, p.Asn428His (NM_001382395.1); short protein forms N421H, N428H.
Identifiers: ClinVar variation 5020928 (VCV005020928.1).